The following is an entry in ClinVar:

ClinVar aggregate classification (germline): Pathogenic (1 of 4 stars; one submission).

Conditions:
Hereditary nonpolyposis colorectal neoplasms. Identifiers: MedGen C0009405, MeSH D003123.

Submission:

Labcorp Genetics (formerly Invitae), Labcorp
Classification: Pathogenic for Hereditary nonpolyposis colorectal neoplasms. Last evaluated: 2024-09-23. Review status: criteria provided, single submitter. Criteria: Invitae Variant Classification Sherloc (09022015). Collection method: clinical testing. Allele origin: germline.
Comment: This sequence change creates a premature translational stop signal (p.Met362Ilefs*2) in the PMS2 gene. It is expected to result in an absent or disrupted protein product. Loss-of-function variants in PMS2 are known to be pathogenic (PMID: 21376568, 24362816). This variant is not present in population databases (gnomAD no frequency). This variant has not been reported in the literature in individuals affected with PMS2-related conditions. For these reasons, this variant has been classified as Pathogenic.

Literature cited by the submitters: PubMed 21376568; PubMed 24362816.

NM_000535.7(PMS2):c.1086_1087del (p.Met362fs)

Gene: PMS2 (PMS1 homolog 2, mismatch repair system component; minus strand). Cytogenetic location: 7p22.1.
Variant type: Deletion.
Coding change: c.1086_1087del on transcript NM_000535.7 (MANE Select); coding-DNA positions 1086 to 1087, 2 bases deleted (GT; older notation c.1086_1087delGT).
Protein change: p.Met362fs; shifts the reading frame from methionine 362.
Molecular consequence: frameshift variant. On other transcripts: non-coding transcript variant (1), intron variant (10).
Genome position (GRCh38, 1-based): chr7:5,989,857-5,989,858, AC deleted on the plus strand (GT on the coding strand, the reverse complement: PMS2 is on the minus strand); deleting any 2 consecutive bases within chr7:5,989,857-5,989,859 gives the same sequence; the c. name uses the placement nearest the transcript's 3' end. VCF-style (leftmost placement, unchanged base first): chr7-5989856-AAC-A. GRCh37 (hg19) VCF-style: chr7-6029487-AAC-A.
Other names: c.681_682del, p.Met227fs (NM_001322003.2, NM_001322004.2, NM_001322005.2 and 16 more transcripts); c.768_769del, p.Met256fs (NM_001322007.2, NM_001322008.2, NM_001406883.1 and 2 more transcripts); c.153_154del, p.Met51fs (NM_001322011.2, NM_001322012.2); c.513_514del, p.Met171fs (NM_001322013.2, NM_001406909.1); c.1086_1087del, p.Met362fs (NM_001322014.2, NM_001406871.1, NM_001406872.1); c.777_778del, p.Met259fs (NM_001322015.2, NM_001406875.1, NM_001406877.1 and 5 more transcripts); c.1272_1273del, p.Met424fs (NM_001406866.1); c.1110_1111del, p.Met370fs (NM_001406868.1); and 13 more; short protein forms M259fs, M370fs, M424fs, M51fs, M105fs, M171fs, M240fs, M250fs.
Identifiers: ClinVar variation 3721357 (VCV003721357.2).